The following is an entry in ClinVar:

NM_001018005.2(TPM1):c.115-285C>T

Gene: TPM1 (tropomyosin 1; plus strand). Cytogenetic location: 15q22.2.
Variant type: single nucleotide variant.
Coding change: c.115-285C>T on transcript NM_001018005.2 (MANE Select); 285 bases into the intron before coding-DNA position 115, C replaced by T.
Molecular consequence: intron variant. On other transcripts: missense variant (14), non-coding transcript variant (2).
Genome position (GRCh38, 1-based): chr15:63,043,742, C>T. VCF-style: chr15-63043742-C-T. GRCh37 (hg19) VCF-style: chr15-63335941-C-T.
Other names: c.151C>T, p.Arg51Trp (NM_001018007.2, NM_001018020.2, NM_001301244.2 and 11 more transcripts); c.115-285C>T (NM_001407326.1, NM_001407337.1, NM_001018006.2 and 10 more transcripts); short protein forms R51W.
Identifiers: ClinVar variation 4071844 (VCV004071844.1).
Genomic context (GRCh38, chr15:63,043,742, plus strand): 5'-GCGCCCGCCCGCCGCTGCCCCCAGCTCGAGGAGGACATCGCGGCCAAGGAGAAGTTGCTG[C>T]GGGTGTCGGAGGACGAGCGGGACCGGGTGCTGGAGGAGCTGCACAAGGCGGAGGACAGCC-3'

ClinVar aggregate classification (germline): Uncertain significance (1 of 4 stars; one submission).

gnomAD v4.1: 7 of 1,549,112 alleles (0.00045%); highest among the groups gnomAD compares: African/African-American, 0.0027%; no homozygotes.

Submission:

GeneDx
Classification: Uncertain significance. Last evaluated: 2025-01-27. Review status: criteria provided, single submitter. Criteria: GeneDx Variant Classification Process June 2021. Collection method: clinical testing. Allele origin: germline. Affected: yes.
Comment: Not observed at significant frequency in large population cohorts (gnomAD); In silico analysis supports that this missense variant has a deleterious effect on protein structure/function; Has not been previously published as pathogenic or benign to our knowledge; Reported using an alternate transcript of the gene